The following is an entry in ClinVar:

NM_001365999.1(SZT2):c.1444C>T (p.Arg482Cys)

Gene: SZT2 (SZT2 subunit of KICSTOR complex; plus strand). Cytogenetic location: 1p34.2.
Variant type: single nucleotide variant.
Coding change: c.1444C>T on transcript NM_001365999.1 (MANE Select); coding-DNA position 1444, C replaced by T.
Protein change: p.Arg482Cys; replaces arginine 482 with cysteine.
Molecular consequence: missense variant.
Genome position (GRCh38, 1-based): chr1:43,420,931, C>T. VCF-style: chr1-43420931-C-T. GRCh37 (hg19) VCF-style: chr1-43886602-C-T.
Other names: c.1444C>T (NM_015284.3); c.1444C>T, p.Arg482Cys (NM_015284.4); short protein forms R482C.
Identifiers: ClinVar variation 2154272 (VCV002154272.6), dbSNP rs774830511, ClinGen allele CA808414.

ClinVar aggregate classification (germline): Uncertain significance. Review status: criteria provided, multiple submitters, no conflicts (2 of 4 stars). 3 submissions from 3 submitters: Uncertain significance (2). 1 of the submissions does not count toward it. Last evaluated 2024-03-16.

Conditions:
Developmental and epileptic encephalopathy, 18 (DEE18). Also called: Early infantile epileptic encephalopathy 18. Identifiers: Orphanet 369894, MedGen C3809624, MONDO:0014201, OMIM 615476.

Allele frequency attached by ClinVar (database versions not stated): gnomAD exomes below 0.00001; ExAC 0.00001; TOPMed 0.00001; gnomAD 0.00003.

Submissions (3):

Blueprint Genetics
Classification: Uncertain significance. Last evaluated: 2024-03-16. Review status: criteria provided, single submitter. Criteria: ACMG Guidelines, 2015. Collection method: clinical testing. Allele origin: germline.

Labcorp Genetics (formerly Invitae), Labcorp
Classification: Uncertain significance. Last evaluated: 2022-10-17. Review status: criteria provided, single submitter. Criteria: Invitae Variant Classification Sherloc (09022015). Collection method: clinical testing. Allele origin: germline.
Comment: This variant is present in population databases (rs774830511, gnomAD 0.01%). This sequence change replaces arginine, which is basic and polar, with cysteine, which is neutral and slightly polar, at codon 482 of the SZT2 protein (p.Arg482Cys). This variant has not been reported in the literature in individuals affected with SZT2-related conditions. In summary, the available evidence is currently insufficient to determine the role of this variant in disease. Therefore, it has been classified as a Variant of Uncertain Significance. Advanced modeling of protein sequence and biophysical properties (such as structural, functional, and spatial information, amino acid conservation, physicochemical variation, residue mobility, and thermodynamic stability) performed at Invitae indicates that this missense variant is not expected to disrupt SZT2 protein function.

Department of Developmental Neurology, Medical University of Gdansk
No classification provided. Condition: Developmental and epileptic encephalopathy, 18. Review status: no classification provided. Collection method: phenotyping only. Allele origin: unknown. Inheritance: Autosomal recessive inheritance. Affected: yes. Not counted in ClinVar's aggregate classification.
Comment: The c.1444C>T, p.(Arg482Cys) variant locates in exon 10 of SZT2 gene. There are 3 individuals heterozygous for the variant in the Genome Aggregation Database (gnomAD, n>120,000 exomes and >15,000 genomes). Database curators have made every effort to exclude individuals with severe pediatric diseases from these cohorts. Arginine is a weakly conserved amino acid and there is a large physicochemical difference between arginine and cysteine. In silico tools PolyPhen and MutationTaster predict the variant as disease causing, whereas SIFT predicts it as tolerated. However, parental samplese were not tested.